The following is an entry in ClinVar:

NM_001498.4(GCLC):c.-29AGG[9]

Genes: GCLC (glutamate-cysteine ligase catalytic subunit; minus strand), LOC129996649 (ATAC-STARR-seq lymphoblastoid silent region 17291; plus strand). Cytogenetic location: 6p12.1.
Variant type: Microsatellite.
Coding change: c.-29AGG[9] on transcript NM_001498.4 (MANE Select); nine copies in a row of the 3-base unit AGG starting at c.-29; the reference has seven copies in a row; two copies, 6 bases duplicated.
Molecular consequence: 5 prime UTR variant.
Genome position (GRCh38, 1-based): chr6:53,544,654-53,544,659, CCTCCT duplicated on the plus strand (AGGAGG on the coding strand, the reverse complement: GCLC is on the minus strand); duplicating any 6 consecutive bases within chr6:53,544,654-53,544,676 gives the same sequence; the position shown is the placement nearest the transcript's 3' end. VCF-style (leftmost placement, unchanged base first): chr6-53544653-C-CCCTCCT. GRCh37 (hg19) VCF-style: chr6-53409451-C-CCCTCCT.
Other names: c.-29AGG[9] (NM_001197115.2); c.-14_-9dup (NM_001498.4).
Identifiers: ClinVar variation 1294105 (VCV001294105.17), dbSNP rs3830798, ClinGen allele CA3860467.

ClinVar aggregate classification (germline): Benign. Review status: criteria provided, multiple submitters, no conflicts (2 of 4 stars). 3 submissions from 3 submitters: Benign (3). Last evaluated 2025-07-28.

Submissions (3):

ARUP Laboratories, Molecular Genetics and Genomics, ARUP Laboratories
Classification: Benign. Last evaluated: 2025-07-28. Review status: criteria provided, single submitter. Criteria: ARUP Molecular Germline Variant Investigation Process 2024. Collection method: clinical testing. Allele origin: germline.

Mayo Clinic Laboratories, Mayo Clinic
Classification: Benign. Last evaluated: 2022-05-31. Review status: criteria provided, single submitter. Criteria: ACMG Guidelines, 2015. Collection method: clinical testing. Allele origin: germline. Observed: 816 variant alleles.
Comment: BA1

GeneDx
Classification: Benign. Last evaluated: 2021-06-18. Review status: criteria provided, single submitter. Criteria: GeneDx Variant Classification Process June 2021. Collection method: clinical testing. Allele origin: germline. Affected: yes.